The following is an entry in ClinVar:

ClinVar aggregate classification (germline): Uncertain significance (1 of 4 stars; one submission).

Conditions:
Hereditary spastic paraplegia 75. Also called: Spastic paraplegia 75, autosomal recessive. Identifiers: Orphanet 459056, MedGen C4225250, MONDO:0014729, OMIM 616680.

Allele frequency attached by ClinVar (database versions not stated): gnomAD 0.00001; TOPMed 0.00003; gnomAD exomes 0.00004; ExAC 0.00016.
gnomAD v4.1: 57 of 1,613,570 alleles (0.0035%); highest among the groups gnomAD compares: East Asian, 0.089%; no homozygotes.

Submission:

Labcorp Genetics (formerly Invitae), Labcorp
Classification: Uncertain significance for Hereditary spastic paraplegia 75. Last evaluated: 2022-05-04. Review status: criteria provided, single submitter. Criteria: Invitae Variant Classification Sherloc (09022015). Collection method: clinical testing. Allele origin: germline.
Comment: This sequence change replaces arginine, which is basic and polar, with glutamine, which is neutral and polar, at codon 51 of the MAG protein (p.Arg51Gln). This variant is present in population databases (rs200718920, gnomAD 0.2%). This missense change has been observed in individual(s) with hereditary spastic paraplegia (PMID: 31227335). This variant is also known as c.77G>A (p.R26Q). Algorithms developed to predict the effect of missense changes on protein structure and function are either unavailable or do not agree on the potential impact of this missense change (SIFT: "Deleterious"; PolyPhen-2: "Probably Damaging"; Align-GVGD: "Class C0"). In summary, the available evidence is currently insufficient to determine the role of this variant in disease. Therefore, it has been classified as a Variant of Uncertain Significance.

Literature cited by the submitters: PubMed 31227335.

NM_002361.4(MAG):c.152G>A (p.Arg51Gln)

Gene: MAG (myelin associated glycoprotein; plus strand). Cytogenetic location: 19q13.12.
Variant type: single nucleotide variant.
Coding change: c.152G>A on transcript NM_002361.4 (MANE Select); coding-DNA position 152, G replaced by A.
Protein change: p.Arg51Gln; replaces arginine 51 with glutamine.
Molecular consequence: missense variant.
Genome position (GRCh38, 1-based): chr19:35,295,718, G>A. VCF-style: chr19-35295718-G-A. GRCh37 (hg19) VCF-style: chr19-35786621-G-A.
Other names: c.77G>A, p.Arg26Gln (NM_001199216.2); c.152G>A, p.Arg51Gln (NM_080600.3); short protein forms R26Q, R51Q.
Identifiers: ClinVar variation 1988086 (VCV001988086.2), dbSNP rs200718920, ClinGen allele CA9375940.